The following is an entry in ClinVar:

NC_000015.10:g.84817072G>C

Gene: ALPK3 (alpha kinase 3; plus strand). Cytogenetic location: 15q25.3.
Variant type: single nucleotide variant.
Genome position: GRCh38 VCF-style: chr15-84817072-G-C. GRCh37 (hg19) VCF-style: chr15-85360303-G-C.
Identifiers: ClinVar variation 1388770 (VCV001388770.6), dbSNP rs758170095, ClinGen allele CA393368474.

ClinVar aggregate classification (germline): Uncertain significance (1 of 4 stars; one submission).

Submission:

Labcorp Genetics (formerly Invitae), Labcorp
Classification: Uncertain significance. Last evaluated: 2024-08-13. Review status: criteria provided, single submitter. Criteria: Invitae Variant Classification Sherloc (09022015). Collection method: clinical testing. Allele origin: germline.
Comment: This sequence change replaces glycine, which is neutral and non-polar, with arginine, which is basic and polar, at codon 76 of the ALPK3 protein (p.Gly76Arg). This variant is not present in population databases (gnomAD no frequency). This variant has not been reported in the literature in individuals affected with ALPK3-related conditions. ClinVar contains an entry for this variant (Variation ID: 1388770). An algorithm developed to predict the effect of missense changes on protein structure and function (PolyPhen-2) suggests that this variant is likely to be disruptive. In summary, the available evidence is currently insufficient to determine the role of this variant in disease. Therefore, it has been classified as a Variant of Uncertain Significance.